The following is an entry in ClinVar:

ClinVar aggregate classification (germline): Benign/Likely benign. Review status: criteria provided, multiple submitters, no conflicts (2 of 4 stars). 3 submissions from 3 submitters: Benign (2); Likely benign (1). Last evaluated 2026-01-17.

Conditions:
Glycogen storage disease IXa1. Also called: GLYCOGEN STORAGE DISEASE VIII; GSD VIII; Glycogen storage disease 8; LIVER GLYCOGENOSIS, X-LINKED, TYPE I. Identifiers: Orphanet 264580, MedGen C3694531, MONDO:0010598, OMIM 306000.

Allele frequency attached by ClinVar (database versions not stated): gnomAD 0.00012; gnomAD exomes 0.00013 and 0.00079; TOPMed 0.00041; ExAC 0.00058.

Submissions (3):

Labcorp Genetics (formerly Invitae), Labcorp
Classification: Benign for Glycogen storage disease IXa1. Last evaluated: 2026-01-17. Review status: criteria provided, single submitter. Criteria: Invitae Variant Classification Sherloc (09022015). Collection method: clinical testing. Allele origin: germline.

Mayo Clinic Laboratories, Mayo Clinic
Classification: Benign. Last evaluated: 2025-02-11. Review status: criteria provided, single submitter. Criteria: ACMG Guidelines, 2015. Collection method: clinical testing. Allele origin: germline. Observed: 1 variant allele.
Comment: BS1, BS2, BP4, BP7

GeneDx
Classification: Likely benign. Last evaluated: 2017-07-27. Review status: criteria provided, single submitter. Criteria: GeneDx Variant Classification (06012015). Collection method: clinical testing. Allele origin: germline. Affected: yes.
Comment: This variant is considered likely benign or benign based on one or more of the following criteria: it is a conservative change, it occurs at a poorly conserved position in the protein, it is predicted to be benign by multiple in silico algorithms, and/or has population frequency not consistent with disease.

NM_000292.3(PHKA2):c.1246-12C>T

Gene: PHKA2 (phosphorylase kinase regulatory subunit alpha 2; minus strand). Cytogenetic location: Xp22.13.
Variant type: single nucleotide variant.
Coding change: c.1246-12C>T on transcript NM_000292.3 (MANE Select); 12 bases into the intron before coding-DNA position 1246, C replaced by T.
Molecular consequence: intron variant.
Genome position (GRCh38, 1-based): chrX:18,929,318, G>A on the plus strand (C>T on the coding strand, the complement: PHKA2 is on the minus strand). VCF-style: chrX-18929318-G-A. GRCh37 (hg19) VCF-style: chrX-18947436-G-A.
Other names: p.?.
Identifiers: ClinVar variation 385815 (VCV000385815.10), dbSNP rs759418361, ClinGen allele CA10361928.